The following is an entry in ClinVar:

NM_015466.4(PTPN23):c.2937G>C (p.Gln979His)

Gene: PTPN23 (protein tyrosine phosphatase non-receptor type 23; plus strand). Cytogenetic location: 3p21.31.
Variant type: single nucleotide variant.
Coding change: c.2937G>C on transcript NM_015466.4 (MANE Select); coding-DNA position 2937, G replaced by C.
Protein change: p.Gln979His; replaces glutamine 979 with histidine.
Molecular consequence: missense variant.
Genome position (GRCh38, 1-based): chr3:47,410,735, G>C. VCF-style: chr3-47410735-G-C. GRCh37 (hg19) VCF-style: chr3-47452225-G-C.
Other names: c.2559G>C, p.Gln853His (NM_001304482.2); c.2937G>C (NM_015466.2); short protein forms Q853H, Q979H.
Identifiers: ClinVar variation 2230727 (VCV002230727.6), dbSNP rs760146153, ClinGen allele CA2366154.

ClinVar aggregate classification (germline): Uncertain significance. Review status: criteria provided, multiple submitters, no conflicts (2 of 4 stars). 2 submissions from 2 submitters: Uncertain significance (2). Last evaluated 2021-12-08.

Conditions:
Inborn genetic diseases. Identifiers: MedGen C0950123, MeSH D030342.

Allele frequency attached by ClinVar (database versions not stated): gnomAD 0.00001; ExAC 0.00005.
gnomAD v4.1: 24 of 1,566,690 alleles (0.0015%); highest among the groups gnomAD compares: Middle Eastern, 0.067%; no homozygotes.

Submissions (2):

Labcorp Genetics (formerly Invitae), Labcorp
Classification: Uncertain significance. Last evaluated: 2021-12-08. Review status: criteria provided, single submitter. Criteria: Invitae Variant Classification Sherloc (09022015). Collection method: clinical testing. Allele origin: germline.
Comment: This sequence change replaces glutamine, which is neutral and polar, with histidine, which is basic and polar, at codon 979 of the PTPN23 protein (p.Gln979His). This variant is present in population databases (rs760146153, gnomAD 0.01%). In summary, the available evidence is currently insufficient to determine the role of this variant in disease. Therefore, it has been classified as a Variant of Uncertain Significance. Algorithms developed to predict the effect of missense changes on protein structure and function are either unavailable or do not agree on the potential impact of this missense change (SIFT: "Tolerated"; PolyPhen-2: "Not Available"; Align-GVGD: "Class C0"). This variant has not been reported in the literature in individuals affected with PTPN23-related conditions.

Ambry Genetics
Classification: Uncertain significance for Inborn genetic diseases. Last evaluated: 2021-06-11. Review status: criteria provided, single submitter. Criteria: Ambry Variant Classification Scheme 2023. Collection method: clinical testing. Allele origin: germline.